The following is an entry in ClinVar:

NM_021922.3(FANCE):c.1606C>G (p.Pro536Ala)

Gene: FANCE (FA complementation group E; plus strand). Cytogenetic location: 6p21.31.
Variant type: single nucleotide variant.
Coding change: c.1606C>G on transcript NM_021922.3 (MANE Select); coding-DNA position 1606, C replaced by G.
Protein change: p.Pro536Ala; replaces proline 536 with alanine.
Molecular consequence: missense variant.
Genome position (GRCh38, 1-based): chr6:35,466,340, C>G. VCF-style: chr6-35466340-C-G. GRCh37 (hg19) VCF-style: chr6-35434117-C-G.
Other names: short protein forms P536A.
Identifiers: ClinVar variation 408152 (VCV000408152.8), dbSNP rs1060501873, ClinGen allele CA16612140.

ClinVar aggregate classification (germline): Uncertain significance (1 of 4 stars; one submission).

Conditions:
Fanconi anemia complementation group E (FANCE). Also called: FANCE-Related Fanconi Anemia. Identifiers: Orphanet 84, MedGen C3160739, MONDO:0010953, OMIM 600901.

Submission:

Labcorp Genetics (formerly Invitae), Labcorp
Classification: Uncertain significance for Fanconi anemia complementation group E. Last evaluated: 2016-09-21. Review status: criteria provided, single submitter. Criteria: Invitae Variant Classification Sherloc (09022015). Collection method: clinical testing. Allele origin: germline.
Comment: In summary, this variant is a novel missense change with uncertain impact on protein function. It has been classified as a Variant of Uncertain Significance. Algorithms developed to predict the effect of missense changes on protein structure and function do not agree on the potential impact of this missense change (SIFT: "Tolerated"; PolyPhen-2: "Probably Damaging"; Align-GVGD: "Class C0"). This variant is not present in population databases (ExAC no frequency) and has not been reported in the literature in individuals with a FANCE-related disease. This sequence change replaces proline with alanine at codon 536 of the FANCE protein (p.Pro536Ala). The proline residue is weakly conserved and there is a small physicochemical difference between proline and alanine.